The following is an entry in ClinVar:

ClinVar aggregate classification (germline): Uncertain significance. Review status: criteria provided, multiple submitters, no conflicts (2 of 4 stars). 3 submissions from 3 submitters: Uncertain significance (3). Last evaluated 2025-03-25.

Conditions:
Cardiovascular phenotype. Identifiers: MedGen CN230736.
RASopathy. Also called: rasopathies; Noonan spectrum disorder. Identifiers: Orphanet 536391, MedGen C5555857, MONDO:0021060.

Allele frequency attached by ClinVar (database versions not stated): gnomAD exomes below 0.00001; TOPMed below 0.00001.
gnomAD v4.1: 6 of 1,614,160 alleles (0.00037%); highest among the groups gnomAD compares: Non-Finnish European, 0.00051%; no homozygotes.

Submissions (3):

Ambry Genetics
Classification: Uncertain significance for Cardiovascular phenotype. Last evaluated: 2025-03-25. Review status: criteria provided, single submitter. Criteria: Ambry Variant Classification Scheme 2023. Collection method: clinical testing. Allele origin: germline.
Comment: The p.A7G variant (also known as c.20C>G), located in coding exon 1 of the RAF1 gene, results from a C to G substitution at nucleotide position 20. The alanine at codon 7 is replaced by glycine, an amino acid with similar properties. This amino acid position is conserved. In addition, the in silico prediction for this alteration is inconclusive. Based on the available evidence, the clinical significance of this variant remains unclear.

GeneDx
Classification: Uncertain significance. Last evaluated: 2023-08-09. Review status: criteria provided, single submitter. Criteria: GeneDx Variant Classification Process June 2021. Collection method: clinical testing. Allele origin: germline. Affected: yes.
Comment: Not observed at significant frequency in large population cohorts (gnomAD); Missense variants in this gene are often considered pathogenic (HGMD); In silico analysis supports that this missense variant does not alter protein structure/function; Has not been previously published as pathogenic or benign to our knowledge

Labcorp Genetics (formerly Invitae), Labcorp
Classification: Uncertain significance for RASopathy. Last evaluated: 2022-04-28. Review status: criteria provided, single submitter. Criteria: Invitae Variant Classification Sherloc (09022015). Collection method: clinical testing. Allele origin: germline.
Comment: This sequence change replaces alanine, which is neutral and non-polar, with glycine, which is neutral and non-polar, at codon 7 of the RAF1 protein (p.Ala7Gly). This variant is not present in population databases (gnomAD no frequency). This variant has not been reported in the literature in individuals affected with RAF1-related conditions. Algorithms developed to predict the effect of missense changes on protein structure and function are either unavailable or do not agree on the potential impact of this missense change (SIFT: "Tolerated"; PolyPhen-2: "Possibly Damaging"; Align-GVGD: "Class C0"). Algorithms developed to predict the effect of sequence changes on RNA splicing suggest that this variant may create or strengthen a splice site. In summary, the available evidence is currently insufficient to determine the role of this variant in disease. Therefore, it has been classified as a Variant of Uncertain Significance.

NM_002880.4(RAF1):c.20C>G (p.Ala7Gly)

Gene: RAF1 (Raf-1 proto-oncogene, serine/threonine kinase; minus strand). Cytogenetic location: 3p25.2.
Variant type: single nucleotide variant.
Coding change: c.20C>G on transcript NM_002880.4 (MANE Select); coding-DNA position 20, C replaced by G.
Protein change: p.Ala7Gly; replaces alanine 7 with glycine.
Molecular consequence: missense variant. On other transcripts: 5 prime UTR variant (4), non-coding transcript variant (3).
Genome position (GRCh38, 1-based): chr3:12,618,702, G>C on the plus strand (C>G on the coding strand, the complement: RAF1 is on the minus strand). VCF-style: chr3-12618702-G-C. GRCh37 (hg19) VCF-style: chr3-12660201-G-C.
Other names: c.20C>G, p.Ala7Gly (NM_001354689.3, NM_001354690.3, NM_001354693.3); c.-111C>G (NM_001354691.3, NM_001354692.3, NM_001354694.3 and 1 more transcripts); c.20C>G (NM_002880.3); short protein forms A7G.
Identifiers: ClinVar variation 1438643 (VCV001438643.9), dbSNP rs200365094, ClinGen allele CA69577094.